The following is an entry in ClinVar:

ClinVar aggregate classification (germline): Uncertain significance (1 of 4 stars; one submission).

Conditions:
Cardiovascular phenotype. Identifiers: MedGen CN230736.

gnomAD v4.1: 3 of 1,613,958 alleles (0.00019%); highest among the groups gnomAD compares: Non-Finnish European, 0.00025%; no homozygotes.

Submission:

Ambry Genetics
Classification: Uncertain significance for Cardiovascular phenotype. Last evaluated: 2024-05-22. Review status: criteria provided, single submitter. Criteria: Ambry Variant Classification Scheme 2023. Collection method: clinical testing. Allele origin: germline.
Comment: The p.Y3266C variant (also known as c.9797A>G), located in coding exon 38 of the ANK2 gene, results from an A to G substitution at nucleotide position 9797. The tyrosine at codon 3266 is replaced by cysteine, an amino acid with highly dissimilar properties. This amino acid position is conserved. In addition, the in silico prediction for this alteration is inconclusive. Based on the available evidence, the clinical significance of this variant remains unclear.

NM_001148.6(ANK2):c.9797A>G (p.Tyr3266Cys)

Gene: ANK2 (ankyrin 2; plus strand). Cytogenetic location: 4q26.
Variant type: single nucleotide variant.
Coding change: c.9797A>G on transcript NM_001148.6 (MANE Select); coding-DNA position 9797, A replaced by G.
Protein change: p.Tyr3266Cys; replaces tyrosine 3266 with cysteine.
Molecular consequence: missense variant. On other transcripts: intron variant (68).
Genome position (GRCh38, 1-based): chr4:113,358,415, A>G. VCF-style: chr4-113358415-A-G. GRCh37 (hg19) VCF-style: chr4-114279571-A-G.
Other names: c.9563A>G, p.Tyr3188Cys (NM_001386142.1); c.6197A>G, p.Tyr2066Cys (NM_001386166.1); c.9938A>G, p.Tyr3313Cys (NM_001386174.1); c.9914A>G, p.Tyr3305Cys (NM_001386175.1); c.4412-2408A>G (NM_001386186.2, NM_001386148.2); c.4214-2408A>G (NM_001354269.3); c.4292-2408A>G (NM_001386187.2); c.4253-2408A>G (NM_001386147.1); and 35 more; short protein forms Y3266C, Y3305C, Y2066C, Y3188C, Y3313C.
Identifiers: ClinVar variation 3294425 (VCV003294425.1).